The following is an entry in ClinVar:

ClinVar aggregate classification (germline): Uncertain significance. Review status: criteria provided, multiple submitters, no conflicts (2 of 4 stars). 2 submissions from 2 submitters: Uncertain significance (2). Last evaluated 2025-03-10.

Conditions:
Inborn genetic diseases. Identifiers: MedGen C0950123, MeSH D030342.

Allele frequency attached by ClinVar (database versions not stated): gnomAD exomes below 0.00001.

Submissions (2):

Ambry Genetics
Classification: Uncertain significance for Inborn genetic diseases. Last evaluated: 2025-03-10. Review status: criteria provided, single submitter. Criteria: Ambry Variant Classification Scheme 2023. Collection method: clinical testing. Allele origin: germline.
Comment: The p.C1328F variant (also known as c.3983G>T), located in coding exon 1 of the SAMD9L gene, results from a G to T substitution at nucleotide position 3983. The cysteine at codon 1328 is replaced by phenylalanine, an amino acid with highly dissimilar properties. This amino acid position is conserved. In addition, this alteration is predicted to be tolerated by in silico analysis. Based on the available evidence, the clinical significance of this variant remains unclear.

Labcorp Genetics (formerly Invitae), Labcorp
Classification: Uncertain significance. Last evaluated: 2024-02-14. Review status: criteria provided, single submitter. Criteria: Invitae Variant Classification Sherloc (09022015). Collection method: clinical testing. Allele origin: germline.
Comment: This sequence change replaces cysteine, which is neutral and slightly polar, with phenylalanine, which is neutral and non-polar, at codon 1328 of the SAMD9L protein (p.Cys1328Phe). This variant is present in population databases (no rsID available, gnomAD 0.005%). This variant has not been reported in the literature in individuals affected with SAMD9L-related conditions. ClinVar contains an entry for this variant (Variation ID: 1411662). Advanced modeling of protein sequence and biophysical properties (such as structural, functional, and spatial information, amino acid conservation, physicochemical variation, residue mobility, and thermodynamic stability) performed at Invitae indicates that this missense variant is not expected to disrupt SAMD9L protein function with a negative predictive value of 80%. In summary, the available evidence is currently insufficient to determine the role of this variant in disease. Therefore, it has been classified as a Variant of Uncertain Significance.

NM_152703.5(SAMD9L):c.3983G>T (p.Cys1328Phe)

Gene: SAMD9L (sterile alpha motif domain containing 9 like; minus strand). Cytogenetic location: 7q21.2.
Variant type: single nucleotide variant.
Coding change: c.3983G>T on transcript NM_152703.5 (MANE Select); coding-DNA position 3983, G replaced by T.
Protein change: p.Cys1328Phe; replaces cysteine 1328 with phenylalanine.
Molecular consequence: missense variant.
Genome position (GRCh38, 1-based): chr7:93,131,989, C>A on the plus strand (G>T on the coding strand, the complement: SAMD9L is on the minus strand). VCF-style: chr7-93131989-C-A. GRCh37 (hg19) VCF-style: chr7-92761302-C-A.
Other names: c.3983G>T, p.Cys1328Phe (NM_001303496.3, NM_001303497.3, NM_001303498.3 and 5 more transcripts); c.3983G>T (NM_152703.2); short protein forms C1328F.
Identifiers: ClinVar variation 1411662 (VCV001411662.7), dbSNP rs1197472904, ClinGen allele CA368178396.